The following is an entry in ClinVar:

NM_032119.4(ADGRV1):c.17314C>T (p.Arg5772Ter)

Gene: ADGRV1 (adhesion G protein-coupled receptor V1; plus strand). Cytogenetic location: 5q14.3.
Variant type: single nucleotide variant.
Coding change: c.17314C>T on transcript NM_032119.4 (MANE Select); coding-DNA position 17314, C replaced by T.
Protein change: p.Arg5772Ter; replaces arginine 5772 with a stop codon.
Molecular consequence: nonsense. On other transcripts: non-coding transcript variant (1).
Genome position (GRCh38, 1-based): chr5:90,853,393, C>T. VCF-style: chr5-90853393-C-T. GRCh37 (hg19) VCF-style: chr5-90149210-C-T.
Other names: short protein forms R5772*.
Identifiers: ClinVar variation 438170 (VCV000438170.10), dbSNP rs749956288, ClinGen allele CA3342343.
Genomic context (GRCh38, chr5:90,853,393, plus strand): 5'-CACTGGTATCCTCAGCAAATCAATGGACACAAGTTTGAAGGAAAGGAAGGAGATTACATT[C>T]GAATTCCAGAGAGGCTACTGGATGTCCAGGATGCAGAAATAATGGCTGGGAAAAGTACAT-3'

ClinVar aggregate classification (germline): Pathogenic. Review status: criteria provided, multiple submitters, no conflicts (2 of 4 stars). 4 submissions from 4 submitters: Pathogenic (3). 1 of the submissions does not count toward it. Last evaluated 2025-11-08.

Conditions:
Usher syndrome. Also called: Usher Syndromes; Usher's syndrome. Identifiers: Orphanet 886, MedGen CN469326, MeSH D052245, MONDO:0019501. Disease mechanism: loss of function.
ADGRV1-related disorder. Also called: ADGRV1-related condition; ADGRV1-related disorders.

Allele frequency attached by ClinVar (database versions not stated): TOPMed 0.00002; gnomAD 0.00003.
gnomAD v4.1: 15 of 1,613,352 alleles (0.00093%); highest among the groups gnomAD compares: African/African-American, 0.0053%; no homozygotes.

Submissions (4):

Labcorp Genetics (formerly Invitae), Labcorp
Classification: Pathogenic. Last evaluated: 2025-11-08. Review status: criteria provided, single submitter. Criteria: Invitae Variant Classification Sherloc (09022015). Collection method: clinical testing. Allele origin: germline.
Comment: This sequence change creates a premature translational stop signal (p.Arg5772*) in the ADGRV1 gene. It is expected to result in an absent or disrupted protein product. Loss-of-function variants in ADGRV1 are known to be pathogenic (PMID: 19357117, 22135276, 22147658, 26226137, 30718709, 31047384, 32467589). This variant is present in population databases (rs749956288, gnomAD 0.004%). This premature translational stop signal has been observed in individual(s) with Usher syndrome (PMID: 28041643, 29099798). ClinVar contains an entry for this variant (Variation ID: 438170). For these reasons, this variant has been classified as Pathogenic.

Blueprint Genetics
Classification: Pathogenic for ADGRV1-related disorders. Last evaluated: 2019-11-27. Review status: criteria provided, single submitter. Criteria: ACMG Guidelines, 2015. Collection method: clinical testing. Allele origin: germline. Affected: yes. Observed: 4 variant alleles.

Athena Diagnostics
Classification: Pathogenic. Last evaluated: 2018-08-23. Review status: criteria provided, single submitter. Criteria: Athena Diagnostics Criteria. Collection method: clinical testing. Allele origin: germline.

NIHR Bioresource Rare Diseases, University of Cambridge
Classification: Likely pathogenic for Usher syndrome. Last evaluated: 2015-01-01. Review status: no assertion criteria provided. Collection method: research. Allele origin: unknown. Affected: yes. Observed: 1 variant allele. Not counted in ClinVar's aggregate classification.

Literature cited by the submitters: PubMed 19357117 (cited by Labcorp Genetics (formerly Invitae), Labcorp); PubMed 22135276 (cited by Labcorp Genetics (formerly Invitae), Labcorp); PubMed 22147658 (cited by Labcorp Genetics (formerly Invitae), Labcorp); PubMed 26226137 (cited by Labcorp Genetics (formerly Invitae), Labcorp); PubMed 30718709 (cited by Labcorp Genetics (formerly Invitae), Labcorp); PubMed 31047384 (cited by Labcorp Genetics (formerly Invitae), Labcorp); PubMed 32467589 (cited by Labcorp Genetics (formerly Invitae), Labcorp); PubMed 28041643 (cited by 3 submitters); PubMed 29099798 (cited by Labcorp Genetics (formerly Invitae), Labcorp and Athena Diagnostics).